The following is an entry in ClinVar:

NM_153240.5(NPHP3):c.262G>T (p.Ala88Ser)

Genes: NPHP3 (nephrocystin 3; minus strand), NPHP3-ACAD11 (NPHP3-ACAD11 readthrough (NMD candidate); minus strand), NPHP3-AS1 (NPHP3 antisense RNA 1; plus strand), LOC129937586 (ATAC-STARR-seq lymphoblastoid silent region 14743; plus strand). Cytogenetic location: 3q22.1.
Variant type: single nucleotide variant.
Coding change: c.262G>T on transcript NM_153240.5 (MANE Select); coding-DNA position 262, G replaced by T.
Protein change: p.Ala88Ser; replaces alanine 88 with serine.
Molecular consequence: missense variant. On other transcripts: non-coding transcript variant (3).
Genome position (GRCh38, 1-based): chr3:132,722,094, C>A on the plus strand (G>T on the coding strand, the complement: NPHP3 is on the minus strand). VCF-style: chr3-132722094-C-A. GRCh37 (hg19) VCF-style: chr3-132440938-C-A.
Other names: short protein forms A88S.
Identifiers: ClinVar variation 499619 (VCV000499619.13), dbSNP rs1233421790, ClinGen allele CA354589177.

ClinVar aggregate classification (germline): Uncertain significance. Review status: criteria provided, multiple submitters, no conflicts (2 of 4 stars). 2 submissions from 2 submitters: Uncertain significance (2). Last evaluated 2022-07-05.

Conditions:
Nephronophthisis. Also called: Juvenile Nephronophthisis. Identifiers: Orphanet 655, MedGen C0687120, MONDO:0019005, HP:0000090.

Allele frequency attached by ClinVar (database versions not stated): TOPMed below 0.00001; gnomAD 0.00001.
gnomAD v4.1: 1 of 1,609,538 alleles (0.000062%); highest among the groups gnomAD compares: Admixed American, 0.0017%; no homozygotes.

Submissions (2):

Labcorp Genetics (formerly Invitae), Labcorp
Classification: Uncertain significance for Nephronophthisis. Last evaluated: 2022-07-05. Review status: criteria provided, single submitter. Criteria: Invitae Variant Classification Sherloc (09022015). Collection method: clinical testing. Allele origin: germline.
Comment: Algorithms developed to predict the effect of missense changes on protein structure and function are either unavailable or do not agree on the potential impact of this missense change (SIFT: "Deleterious"; PolyPhen-2: "Benign"; Align-GVGD: "Class C0"). In summary, the available evidence is currently insufficient to determine the role of this variant in disease. Therefore, it has been classified as a Variant of Uncertain Significance. This sequence change replaces alanine, which is neutral and non-polar, with serine, which is neutral and polar, at codon 88 of the NPHP3 protein (p.Ala88Ser). This variant is present in population databases (no rsID available, gnomAD 0.1%). ClinVar contains an entry for this variant (Variation ID: 499619). This variant has not been reported in the literature in individuals affected with NPHP3-related conditions.

Eurofins Ntd Llc (ga)
Classification: Uncertain significance. Last evaluated: 2017-01-03. Review status: criteria provided, single submitter. Criteria: EGL Classification Definitions 2015. Collection method: clinical testing. Allele origin: germline. Observed: 1 variant allele, 1 heterozygote.